The following is an entry in ClinVar:

NM_017654.4(SAMD9):c.4027A>C (p.Lys1343Gln)

Gene: SAMD9 (sterile alpha motif domain containing 9; minus strand). Cytogenetic location: 7q21.2.
Variant type: single nucleotide variant.
Coding change: c.4027A>C on transcript NM_017654.4 (MANE Select); coding-DNA position 4027, A replaced by C.
Protein change: p.Lys1343Gln; replaces lysine 1343 with glutamine.
Molecular consequence: missense variant.
Genome position (GRCh38, 1-based): chr7:93,102,071, T>G on the plus strand (A>C on the coding strand, the complement: SAMD9 is on the minus strand). VCF-style: chr7-93102071-T-G. GRCh37 (hg19) VCF-style: chr7-92731384-T-G.
Other names: c.4027A>C, p.Lys1343Gln (NM_001193307.2); short protein forms K1343Q.
Identifiers: ClinVar variation 3949453 (VCV003949453.1).

ClinVar aggregate classification (germline): Uncertain significance (1 of 4 stars; one submission).

Conditions:
Inborn genetic diseases. Identifiers: MedGen C0950123, MeSH D030342.

Submission:

Ambry Genetics
Classification: Uncertain significance for Inborn genetic diseases. Last evaluated: 2025-03-17. Review status: criteria provided, single submitter. Criteria: Ambry Variant Classification Scheme 2023. Collection method: clinical testing. Allele origin: germline.
Comment: The p.K1343Q variant (also known as c.4027A>C), located in coding exon 1 of the SAMD9 gene, results from an A to C substitution at nucleotide position 4027. The lysine at codon 1343 is replaced by glutamine, an amino acid with similar properties. This amino acid position is conserved. In addition, this alteration is predicted to be tolerated by in silico analysis. Based on the available evidence, the clinical significance of this variant remains unclear.